The following is an entry in ClinVar:

ClinVar aggregate classification (germline): Uncertain significance (1 of 4 stars; one submission).

Conditions:
Cardiovascular phenotype. Identifiers: MedGen CN230736.

gnomAD v4.1: 2 of 1,614,198 alleles (0.00012%); highest among the groups gnomAD compares: Non-Finnish European, 0.00017%; no homozygotes.

Submission:

Ambry Genetics
Classification: Uncertain significance for Cardiovascular phenotype. Last evaluated: 2025-02-04. Review status: criteria provided, single submitter. Criteria: Ambry Variant Classification Scheme 2023. Collection method: clinical testing. Allele origin: germline.
Comment: The p.A113V variant (also known as c.338C>T), located in coding exon 1 of the KCND3 gene, results from a C to T substitution at nucleotide position 338. The alanine at codon 113 is replaced by valine, an amino acid with similar properties. This amino acid position is conserved. In addition, the in silico prediction for this alteration is inconclusive. Based on the available evidence, the clinical significance of this variant remains unclear.

NM_001378969.1(KCND3):c.338C>T (p.Ala113Val)

Gene: KCND3 (potassium voltage-gated channel subfamily D member 3; minus strand). Cytogenetic location: 1p13.2.
Variant type: single nucleotide variant.
Coding change: c.338C>T on transcript NM_001378969.1 (MANE Select); coding-DNA position 338, C replaced by T.
Protein change: p.Ala113Val; replaces alanine 113 with valine.
Molecular consequence: missense variant.
Genome position (GRCh38, 1-based): chr1:111,982,389, G>A on the plus strand (C>T on the coding strand, the complement: KCND3 is on the minus strand). VCF-style: chr1-111982389-G-A. GRCh37 (hg19) VCF-style: chr1-112525011-G-A.
Other names: c.338C>T, p.Ala113Val (NM_001378970.1, NM_004980.5, NM_172198.3); short protein forms A113V.
Identifiers: ClinVar variation 3862705 (VCV003862705.1).